The following is an entry in ClinVar:

ClinVar aggregate classification (germline): Uncertain significance. Review status: criteria provided, multiple submitters, no conflicts (2 of 4 stars). 2 submissions from 2 submitters: Uncertain significance (2). Last evaluated 2022-11-22.

Conditions:
Inborn genetic diseases. Identifiers: MedGen C0950123, MeSH D030342.

Allele frequency attached by ClinVar (database versions not stated): TOPMed 0.00002.

Submissions (2):

Labcorp Genetics (formerly Invitae), Labcorp
Classification: Uncertain significance. Last evaluated: 2022-11-22. Review status: criteria provided, single submitter. Criteria: Invitae Variant Classification Sherloc (09022015). Collection method: clinical testing. Allele origin: germline.
Comment: In summary, the available evidence is currently insufficient to determine the role of this variant in disease. Therefore, it has been classified as a Variant of Uncertain Significance. Algorithms developed to predict the effect of missense changes on protein structure and function are either unavailable or do not agree on the potential impact of this missense change (SIFT: "Tolerated"; PolyPhen-2: "Probably Damaging"; Align-GVGD: "Class C0"). ClinVar contains an entry for this variant (Variation ID: 964374). This variant has not been reported in the literature in individuals affected with KIAA1549-related conditions. This variant is present in population databases (rs572212859, gnomAD 0.04%). This sequence change replaces threonine, which is neutral and polar, with lysine, which is basic and polar, at codon 1579 of the KIAA1549 protein (p.Thr1579Lys).

Ambry Genetics
Classification: Uncertain significance for Inborn genetic diseases. Last evaluated: 2021-10-05. Review status: criteria provided, single submitter. Criteria: Ambry Variant Classification Scheme 2023. Collection method: clinical testing. Allele origin: germline.

NM_001164665.2(KIAA1549):c.4736C>A (p.Thr1579Lys)

Gene: KIAA1549 (KIAA1549; minus strand). Cytogenetic location: 7q34.
Variant type: single nucleotide variant.
Coding change: c.4736C>A on transcript NM_001164665.2 (MANE Select); coding-DNA position 4736, C replaced by A.
Protein change: p.Thr1579Lys; replaces threonine 1579 with lysine.
Molecular consequence: missense variant.
Genome position (GRCh38, 1-based): chr7:138,869,577, G>T on the plus strand (C>A on the coding strand, the complement: KIAA1549 is on the minus strand). VCF-style: chr7-138869577-G-T. GRCh37 (hg19) VCF-style: chr7-138554323-G-T.
Other names: c.4736C>A, p.Thr1579Lys (NM_020910.3); short protein forms T1579K.
Identifiers: ClinVar variation 964374 (VCV000964374.8), dbSNP rs572212859, ClinGen allele CA4505785.
Genomic context (GRCh38, chr7:138,869,577, plus strand): 5'-TAGCGCAGAGCCCCAGCCCACCTCTTCCTGGGCTCTATGAACACGGAGGGCACGCTGGCC[G>T]TGGGGTCCAGGATCTTGTCGATCTGCATCTGTGCCCTGCGGTACACCCGGTGTCGCTCCT-3'
Protein context (NP_001158137.1, residues 1569-1589): QMQIDKILDP[Thr1579Lys]ASVPSVFIEP